The following is an entry in ClinVar:

ClinVar aggregate classification (germline): Uncertain significance (0 of 4 stars; one submission).

Conditions:
NTRK2-related disorder. Also called: NTRK2-related condition.

gnomAD v4.1: 34 of 1,614,110 alleles (0.0021%); highest among the groups gnomAD compares: Non-Finnish European, 0.0029%; no homozygotes.

Submission:

PreventionGenetics, part of Exact Sciences
Classification: Uncertain significance for NTRK2-related condition. Last evaluated: 2024-04-09. Review status: no assertion criteria provided. Collection method: clinical testing. Allele origin: germline.
Comment: The NTRK2 c.262G>A variant is predicted to result in the amino acid substitution p.Glu88Lys. To our knowledge, this variant has not been reported in the literature. This variant is reported in 0.0023% of alleles in individuals of European (Non-Finnish) descent in gnomAD. At this time, the clinical significance of this variant is uncertain due to the absence of conclusive functional and genetic evidence.

NM_006180.6(NTRK2):c.262G>A (p.Glu88Lys)

Genes: NTRK2 (neurotrophic receptor tyrosine kinase 2; plus strand), LOC130001952 (ATAC-STARR-seq lymphoblastoid active region 28508; plus strand). Cytogenetic location: 9q21.33.
Variant type: single nucleotide variant.
Coding change: c.262G>A on transcript NM_006180.6 (MANE Select); coding-DNA position 262, G replaced by A.
Protein change: p.Glu88Lys; replaces glutamic acid 88 with lysine.
Molecular consequence: missense variant. On other transcripts: 5 prime UTR variant (4).
Genome position (GRCh38, 1-based): chr9:84,702,208, G>A. VCF-style: chr9-84702208-G-A. GRCh37 (hg19) VCF-style: chr9-87317123-G-A.
Other names: c.262G>A, p.Glu88Lys (NM_001007097.3, NM_001018064.3, NM_001018065.2 and 18 more transcripts); c.-207G>A (NM_001369535.1, NM_001369536.1, NM_001369550.1 and 1 more transcripts); short protein forms E88K.
Identifiers: ClinVar variation 3357104 (VCV003357104.1).